The following is an entry in ClinVar:

ClinVar aggregate classification (germline): Uncertain significance (1 of 4 stars; one submission).

Conditions:
Cardiovascular phenotype. Identifiers: MedGen CN230736.

Submission:

Ambry Genetics
Classification: Uncertain significance for Cardiovascular phenotype. Last evaluated: 2023-05-27. Review status: criteria provided, single submitter. Criteria: Ambry Variant Classification Scheme 2023. Collection method: clinical testing. Allele origin: germline.
Comment: The p.Y36H variant (also known as c.106T>C), located in coding exon 1 of the EFEMP2 gene, results from a T to C substitution at nucleotide position 106. The tyrosine at codon 36 is replaced by histidine, an amino acid with similar properties. This amino acid position is conserved. In addition, the in silico prediction for this alteration is inconclusive. Since supporting evidence is limited at this time, the clinical significance of this alteration remains unclear.

NM_016938.5(EFEMP2):c.106T>C (p.Tyr36His)

Gene: EFEMP2 (EGF containing fibulin extracellular matrix protein 2; minus strand). Cytogenetic location: 11q13.1.
Variant type: single nucleotide variant.
Coding change: c.106T>C on transcript NM_016938.5 (MANE Select); coding-DNA position 106, T replaced by C.
Protein change: p.Tyr36His; replaces tyrosine 36 with histidine.
Molecular consequence: missense variant. On other transcripts: non-coding transcript variant (1).
Genome position (GRCh38, 1-based): chr11:65,872,249, A>G on the plus strand (T>C on the coding strand, the complement: EFEMP2 is on the minus strand). VCF-style: chr11-65872249-A-G. GRCh37 (hg19) VCF-style: chr11-65639720-A-G.
Other names: short protein forms Y36H.
Identifiers: ClinVar variation 2563687 (VCV002563687.2), dbSNP rs2495583552, ClinGen allele CA381311149.
Genomic context (GRCh38, chr11:65,872,249, plus strand): 5'-GGTCTCTTCCTCCCTACCCTTCCTGTCCCAGGCCAGCGGCCCTCACTGTCCCCACCGTGT[A>G]GCTGTCGGGCTCTTCAGAATCCTGAGGAGAAGCTGATCCCAAGAGCAACAGTAGCAGCGC-3'
Protein context (NP_058634.4, residues 26-46): SPQDSEEPDS[Tyr36His]TECTDGYEWD